The following is an entry in ClinVar:

NM_001267550.2(TTN):c.24221_24222del (p.Val8074fs)

Gene: TTN (titin; minus strand). Cytogenetic location: 2q31.2.
Variant type: Microsatellite.
Coding change: c.24221_24222del on transcript NM_001267550.2 (MANE Select); coding-DNA positions 24221 to 24222, 2 bases deleted (TG; older notation c.24221_24222delTG).
Protein change: p.Val8074fs; shifts the reading frame from valine 8074.
Molecular consequence: frameshift variant. On other transcripts: intron variant (3).
Genome position (GRCh38, 1-based): chr2:178,719,168-178,719,169, CA deleted on the plus strand (TG on the coding strand, the reverse complement: TTN is on the minus strand); deleting any 2 consecutive bases within chr2:178,719,168-178,719,171 gives the same sequence; the c. name uses the placement nearest the transcript's 3' end. VCF-style (leftmost placement, unchanged base first): chr2-178719167-GCA-G. GRCh37 (hg19) VCF-style: chr2-179583894-GCA-G.
Other names: c.23270_23271del, p.Val7757fs (NM_001256850.1); c.20489_20490del, p.Val6830fs (NM_133378.4); c.13282+18913_13282+18914del (NM_003319.4); c.13858+18913_13858+18914del (NM_133437.4); c.13657+18913_13657+18914del (NM_133432.3); short protein forms V6830fs, V7757fs, V8074fs.
Identifiers: ClinVar variation 2437631 (VCV002437631.5), dbSNP rs2529288060, ClinGen allele CA2580616613.

ClinVar aggregate classification (germline): Conflicting classifications of pathogenicity. Review status: criteria provided, conflicting classifications (1 of 4 stars). 2 submissions from 2 submitters: Likely pathogenic (1); Uncertain significance (1). Last evaluated 2025-11-24.

Conditions:
Dilated cardiomyopathy 1G (CMD1G). Identifiers: Orphanet 154, MedGen C1858763, MONDO:0011400, OMIM 604145.
Autosomal recessive limb-girdle muscular dystrophy type 2J (LGMDR10). Also called: MUSCULAR DYSTROPHY, LIMB-GIRDLE, AUTOSOMAL RECESSIVE 10; Limb-girdle muscular dystrophy, type 2J. Identifiers: Orphanet 140922, MedGen C1837342, MONDO:0012127, OMIM 608807.

Submissions (2):

Labcorp Genetics (formerly Invitae), Labcorp
Classification: Likely pathogenic for Dilated cardiomyopathy 1G; Autosomal recessive limb-girdle muscular dystrophy type 2J. Last evaluated: 2025-11-24. Review status: criteria provided, single submitter. Criteria: Invitae Variant Classification Sherloc (09022015). Collection method: clinical testing. Allele origin: germline.
Comment: This sequence change creates a premature translational stop signal (p.Val8074Alafs*7) in the TTN gene. While this is not anticipated to result in nonsense mediated decay, it is expected to create a truncated TTN protein. This variant is not present in population databases (gnomAD no frequency). This variant has not been reported in the literature in individuals affected with TTN-related conditions. ClinVar contains an entry for this variant (Variation ID: 2437631). This variant is located in the I band of TTN (PMID: 25589632). Truncating variants in this region have been reported in individuals affected with autosomal recessive centronuclear myopathy (PMID: 23975875, internal data). Truncating variants in this region have also been identified in individuals affected with autosomal dominant dilated cardiomyopathy and/or cardio-related conditions (PMID: 27869827, 32964742, internal data). In summary, the currently available evidence indicates that the variant is pathogenic, but additional data are needed to prove that conclusively. Therefore, this variant has been classified as Likely Pathogenic.

Revvity Omics, Revvity
Classification: Uncertain significance. Last evaluated: 2019-07-09. Review status: criteria provided, single submitter. Criteria: ACMG Guidelines, 2015. Collection method: clinical testing. Allele origin: germline.

Literature cited by the submitters: PubMed 25589632 (cited by Labcorp Genetics (formerly Invitae), Labcorp); PubMed 23975875 (cited by Labcorp Genetics (formerly Invitae), Labcorp); PubMed 27869827 (cited by Labcorp Genetics (formerly Invitae), Labcorp); PubMed 32964742 (cited by Labcorp Genetics (formerly Invitae), Labcorp).